The following is an entry in ClinVar:

ClinVar aggregate classification (germline): Uncertain significance (1 of 4 stars; one submission).

Conditions:
Brachyolmia-amelogenesis imperfecta syndrome. Also called: Tooth agenesis, selective, 6; Dental anomalies and short stature; PLATYSPONDYLY WITH AMELOGENESIS IMPERFECTA. Identifiers: Orphanet 2899, MedGen C1832594, MONDO:0011018, OMIM 601216. Disease mechanism: loss of function.

Submission:

Labcorp Genetics (formerly Invitae), Labcorp
Classification: Uncertain significance for Brachyolmia-amelogenesis imperfecta syndrome. Last evaluated: 2024-05-20. Review status: criteria provided, single submitter. Criteria: Invitae Variant Classification Sherloc (09022015). Collection method: clinical testing. Allele origin: germline.
Comment: This sequence change replaces glutamic acid, which is acidic and polar, with glutamine, which is neutral and polar, at codon 589 of the LTBP3 protein (p.Glu589Gln). This variant is not present in population databases (gnomAD no frequency). This variant has not been reported in the literature in individuals affected with LTBP3-related conditions. Algorithms developed to predict the effect of missense changes on protein structure and function output the following: SIFT: "Not Available"; PolyPhen-2: "Benign"; Align-GVGD: "Not Available". The glutamine amino acid residue is found in multiple mammalian species, which suggests that this missense change does not adversely affect protein function. In summary, the available evidence is currently insufficient to determine the role of this variant in disease. Therefore, it has been classified as a Variant of Uncertain Significance.

NM_001130144.3(LTBP3):c.1765G>C (p.Glu589Gln)

Gene: LTBP3 (latent transforming growth factor beta binding protein 3; minus strand). Cytogenetic location: 11q13.1.
Variant type: single nucleotide variant.
Coding change: c.1765G>C on transcript NM_001130144.3 (MANE Select); coding-DNA position 1765, G replaced by C.
Protein change: p.Glu589Gln; replaces glutamic acid 589 with glutamine.
Molecular consequence: missense variant.
Genome position (GRCh38, 1-based): chr11:65,548,001, C>G on the plus strand (G>C on the coding strand, the complement: LTBP3 is on the minus strand). VCF-style: chr11-65548001-C-G. GRCh37 (hg19) VCF-style: chr11-65315472-C-G.
Other names: c.1414G>C, p.Glu472Gln (NM_001164266.1); c.1765G>C, p.Glu589Gln (NM_021070.4); short protein forms E472Q, E589Q.
Identifiers: ClinVar variation 3678170 (VCV003678170.2).